The following is an entry in ClinVar:

NM_001080517.3(SETD5):c.1910A>G (p.Asn637Ser)

Gene: SETD5 (SET domain containing 5; plus strand). Cytogenetic location: 3p25.3.
Variant type: single nucleotide variant.
Coding change: c.1910A>G on transcript NM_001080517.3 (MANE Select); coding-DNA position 1910, A replaced by G.
Protein change: p.Asn637Ser; replaces asparagine 637 with serine.
Molecular consequence: missense variant.
Genome position (GRCh38, 1-based): chr3:9,447,813, A>G. VCF-style: chr3-9447813-A-G. GRCh37 (hg19) VCF-style: chr3-9489497-A-G.
Other names: c.1616A>G, p.Asn539Ser (NM_001292043.2, NM_001349451.2); c.1910A>G (NM_001080517.2); short protein forms N539S, N637S.
Identifiers: ClinVar variation 871922 (VCV000871922.50), dbSNP rs201561587, ClinGen allele CA2239323.

ClinVar aggregate classification (germline): Likely benign. Review status: criteria provided, multiple submitters, no conflicts (2 of 4 stars). 5 submissions from 5 submitters: Likely benign (4). 1 of the submissions does not count toward it. Last evaluated 2025-09-24.

Conditions:
SETD5-related disorder. Also called: SETD5-related disorders; SETD5-related condition.
Inborn genetic diseases. Identifiers: MedGen C0950123, MeSH D030342.

Allele frequency attached by ClinVar (database versions not stated): TOPMed 0.00011.
gnomAD v4.1: 142 of 1,613,942 alleles (0.0088%); highest among the groups gnomAD compares: Admixed American, 0.047%; no homozygotes.

Submissions (5):

Labcorp Genetics (formerly Invitae), Labcorp
Classification: Likely benign. Last evaluated: 2025-09-24. Review status: criteria provided, single submitter. Criteria: Invitae Variant Classification Sherloc (09022015). Collection method: clinical testing. Allele origin: germline.

Ambry Genetics
Classification: Likely benign for Inborn genetic diseases. Last evaluated: 2025-08-22. Review status: criteria provided, single submitter. Criteria: Ambry Variant Classification Scheme 2023. Collection method: clinical testing. Allele origin: germline.

CeGaT Center for Human Genetics Tuebingen
Classification: Likely benign. Last evaluated: 2022-02-01. Review status: criteria provided, single submitter. Criteria: CeGaT Center For Human Genetics Tuebingen Variant Classification Criteria Version 2. Collection method: clinical testing. Allele origin: germline. Affected: yes. Observed: 1 variant allele.

GeneDx
Classification: Likely benign. Last evaluated: 2020-11-30. Review status: criteria provided, single submitter. Criteria: GeneDx Variant Classification Process June 2021. Collection method: clinical testing. Allele origin: germline. Affected: yes.

PreventionGenetics, part of Exact Sciences
Classification: Likely benign for SETD5-related condition. Last evaluated: 2019-03-25. Review status: no assertion criteria provided. Collection method: clinical testing. Allele origin: germline. Not counted in ClinVar's aggregate classification.
Comment: This variant is classified as likely benign based on ACMG/AMP sequence variant interpretation guidelines (Richards et al. 2015 PMID: 25741868, with internal and published modifications).